The following is an entry in ClinVar:

NM_006642.5(SDCCAG8):c.1854-7C>T

Gene: SDCCAG8 (SHH signaling and ciliogenesis regulator SDCCAG8; plus strand). Cytogenetic location: 1q43.
Variant type: single nucleotide variant.
Coding change: c.1854-7C>T on transcript NM_006642.5 (MANE Select); 7 bases into the intron before coding-DNA position 1854, C replaced by T.
Molecular consequence: intron variant.
Genome position (GRCh38, 1-based): chr1:243,426,420, C>T. VCF-style: chr1-243426420-C-T. GRCh37 (hg19) VCF-style: chr1-243589722-C-T.
Other names: c.1560-7C>T (NM_001350249.2); c.951-7C>T (NM_001350251.2, NM_001350246.2, NM_001350247.2); c.1950-7C>T (NM_001350248.2); c.1854-7C>T (NM_006642.3).
Identifiers: ClinVar variation 2123908 (VCV002123908.5), dbSNP rs2528508655, ClinGen allele CA2580063489.
Genomic context (GRCh38, chr1:243,426,420, plus strand): 5'-TATAATAACAATATGCCCTAGTAATAAGAACTTCTAACATCTATTATTTTTGTGTTTTCA[C>T]CTCTAGATCTGAAATAGCTCAACTCAGTCAAGAAAAAAGGTATACATATGATAAATTGGG-3'

ClinVar aggregate classification (germline): Likely benign. Review status: criteria provided, multiple submitters, no conflicts (2 of 4 stars). 2 submissions from 2 submitters: Likely benign (2). Last evaluated 2024-11-20.

Conditions:
SDCCAG8-related disorder. Also called: SDCCAG8-Related Disorders; SDCCAG8-related condition.
Bardet-Biedl syndrome 16 (BBS16). Identifiers: Orphanet 110, MedGen C3889474, MONDO:0014444, OMIM 615993.
Senior-Loken syndrome 7 (SLSN7). Identifiers: Orphanet 3156, MedGen C3150877, MONDO:0013326, OMIM 613615.

Submissions (2):

PreventionGenetics, part of Exact Sciences
Classification: Likely benign for SDCCAG8-related condition. Last evaluated: 2024-11-20. Review status: criteria provided, single submitter. Criteria: ACMG Guidelines, 2015. Collection method: clinical testing. Allele origin: germline.
Comment: This variant is classified as likely benign based on ACMG/AMP sequence variant interpretation guidelines (Richards et al. 2015 PMID: 25741868, with internal and published modifications).

Labcorp Genetics (formerly Invitae), Labcorp
Classification: Likely benign for Bardet-Biedl syndrome 16; Senior-Loken syndrome 7. Last evaluated: 2024-08-17. Review status: criteria provided, single submitter. Criteria: Invitae Variant Classification Sherloc (09022015). Collection method: clinical testing. Allele origin: germline.